The following is an entry in ClinVar:

NM_007294.4(BRCA1):c.2564A>C (p.Gln855Pro)

Gene: BRCA1 (BRCA1 DNA repair associated; minus strand). Cytogenetic location: 17q21.31.
Variant type: single nucleotide variant.
Coding change: c.2564A>C on transcript NM_007294.4 (MANE Select); coding-DNA position 2564, A replaced by C.
Protein change: p.Gln855Pro; replaces glutamine 855 with proline.
Molecular consequence: missense variant. On other transcripts: intron variant (137).
Genome position (GRCh38, 1-based): chr17:43,092,967, T>G on the plus strand (A>C on the coding strand, the complement: BRCA1 is on the minus strand). VCF-style: chr17-43092967-T-G. GRCh37 (hg19) VCF-style: chr17-41244984-T-G.
Other names: c.2300A>C, p.Gln767Pro (NM_001407935.1, NM_001407920.1, NM_001407921.1 and 9 more transcripts); c.2297A>C, p.Gln766Pro (NM_001407936.1, NM_001407930.1, NM_001407931.1 and 2 more transcripts); c.2441A>C, p.Gln814Pro (NM_001407937.1, NM_001407938.1, NM_001407648.1 and 19 more transcripts); c.2231A>C, p.Gln744Pro (NM_001407949.1, NM_001407950.1, NM_001407951.1 and 6 more transcripts); c.2228A>C, p.Gln743Pro (NM_001407954.1, NM_001407955.1, NM_001407956.1 and 1 more transcripts); c.2423A>C, p.Gln808Pro (NM_007297.4, NM_001407692.1, NM_001407728.1 and 29 more transcripts); c.2564A>C, p.Gln855Pro (NM_007300.4, NM_001407596.1, NM_001407597.1 and 30 more transcripts); c.646+1777A>C (NM_001408458.1, NM_001408469.1, NM_001408453.1 and 11 more transcripts); and 41 more; short protein forms Q855P, Q808P, Q559P, Q807P, Q727P, Q743P, Q766P, Q787P.
Identifiers: ClinVar variation 186203 (VCV000186203.31), dbSNP rs768001441, ClinGen allele CA001691.
Genomic context (GRCh38, chr17:43,092,967, plus strand): 5'-GGATTTGAAAACGGAGCAAATGACTGGCGCTTTGAAACCTTGAATGTATTCTGCAAATAC[T>G]GAGCATCAAGTTCACTTTCTTCCATTTCTATGCTTGTTTCCCGACTGTGGTTAACTTCAT-3'
Protein context (NP_009225.1, residues 845-865): IEMEESELDA[Gln855Pro]YLQNTFKVSK

ClinVar aggregate classification (germline): Conflicting classifications of pathogenicity. Review status: criteria provided, conflicting classifications (1 of 4 stars). 8 submissions from 8 submitters: Uncertain significance (5); Benign (1); Likely benign (2). Last evaluated 2026-01-29.

Conditions:
Hereditary breast ovarian cancer syndrome. Also called: Hereditary breast and ovarian cancer syndrome; Hereditary breast and ovarian cancer syndrome (HBOC); BRCA1- and BRCA2-Associated Hereditary Breast and Ovarian Cancer; Breast and ovarian cancer; Hereditary breast and ovarian cancer; Hereditary breast and/or ovarian cancer syndrome. Identifiers: Orphanet 145, MedGen C0677776, MeSH D061325, MONDO:0003582. Disease mechanism: loss of function.
Breast-ovarian cancer, familial, susceptibility to, 1 (BROVCA1). Also called: OVARIAN CANCER, SUSCEPTIBILITY TO; BRCA1 Hereditary Breast and Ovarian Cancer. Identifiers: Orphanet 145, MedGen C2676676, MONDO:0011450, OMIM 604370. Disease mechanism: loss of function.
Hereditary cancer-predisposing syndrome. Also called: Hereditary Cancer Syndrome; Hereditary neoplastic syndrome; Tumor predisposition; Neoplastic Syndromes, Hereditary. Identifiers: Orphanet 140162, MedGen C0027672, MeSH D009386, MONDO:0015356.

Allele frequency attached by ClinVar (database versions not stated): TOPMed below 0.00001; gnomAD 0.00001.
gnomAD v4.1: 5 of 1,613,390 alleles (0.00031%); highest among the groups gnomAD compares: East Asian, 0.0089%; no homozygotes.

Submissions (8):

Myriad Genetics, Inc.
Classification: Benign for Breast-ovarian cancer, familial, susceptibility to, 1. Last evaluated: 2026-01-29. Review status: criteria provided, single submitter. Criteria: Myriad Autosomal Dominant, Autosomal Recessive and X-Linked Classification Criteria (2023). Collection method: clinical testing. Allele origin: unknown.
Comment: This variant is considered benign. This variant is strongly associated with less severe personal and family histories of cancer, typical for individuals without pathogenic variants in this gene [PMID: 25085752]. Homozygosity has been confirmed in one or more individuals. As homozygosity for pathogenic variants in this gene is generally assumed to result in embryonic lethality, this variant is unlikely to be pathogenic.

Labcorp Genetics (formerly Invitae), Labcorp
Classification: Likely benign for Hereditary breast ovarian cancer syndrome. Last evaluated: 2024-08-28. Review status: criteria provided, single submitter. Criteria: Invitae Variant Classification Sherloc (09022015). Collection method: clinical testing. Allele origin: germline.

Color Diagnostics, LLC DBA Color Health
Classification: Uncertain significance for Hereditary cancer-predisposing syndrome. Last evaluated: 2024-04-26. Review status: criteria provided, single submitter. Criteria: ACMG Guidelines, 2015. Collection method: clinical testing. Allele origin: germline.
Comment: This missense variant replaces glutamine with proline at codon 855 of the BRCA1 protein. Computational prediction suggests that this variant may have deleterious impact on protein structure and function. To our knowledge, functional studies have not been reported for this variant. This variant has been reported in multiple cancer case-control studies in which the disease-association is inconclusive. Breast cancer case-control studies have reported this variant in 3/7051 female breast cancer cases and 3/11241 unaffected individuals and 0/53 male cases and 5/12490 unaffected controls (PMID: 30287823) and in a breast cancer case-control meta-analysis in 0/60466 cases and 1/53461 unaffected individuals (PMID: 33471991; Leiden Open Variation Database DB-ID BRCA1_005004). This variant has been reported in a pancreatic cancer case-control study in 8/23705 unaffected individuals and absent in 1005 cases (PMID: 32980694) and in a prostate cancer case-control study in 3/7637 cases and 5/12366 unaffected individuals (PMID: 31214711). A multifactorial analysis has reported likelihood ratios for pathogenicity based on segregation and tumor pathology of 1.0498 and 0.4, respectively (PMID: 31131967). This variant has not been identified in the general population by the Genome Aggregation Database (gnomAD). Although there is a suspicion that this variant may not be associated with disease, additional studies are necessary to determine the role of this variant in disease conclusively. Therefore, this variant is classified as a Variant of Uncertain Significance.

Ambry Genetics
Classification: Uncertain significance for Hereditary cancer-predisposing syndrome. Last evaluated: 2024-01-03. Review status: criteria provided, single submitter. Criteria: Ambry Variant Classification Scheme 2023. Collection method: clinical testing. Allele origin: germline.
Comment: The p.Q855P variant (also known as c.2564A>C), located in coding exon 9 of the BRCA1 gene, results from an A to C substitution at nucleotide position 2564. The glutamine at codon 855 is replaced by proline, an amino acid with similar properties. This alteration was identified in individuals pursuing BRCA1/2 analysis in Japan (Nakamura S et al. Breast Cancer, 2015 Sep;22:462-8; Arai M et al. J Hum Genet, 2018 Apr;63:447-457). This variant has also been identified in breast cancer cohorts as well as unaffected control groups across studies (Momozawa Y et al. Nat Commun, 2018 10;9:4083; Dorling et al. N Engl J Med. 2021 02;384:428-439). This amino acid position is highly conserved in available vertebrate species. In addition, this alteration is predicted to be deleterious by in silico analysis. Since supporting evidence is limited at this time, the clinical significance of this alteration remains unclear.

University of Washington Department of Laboratory Medicine, University of Washington
Classification: Likely benign for Hereditary cancer-predisposing syndrome. Last evaluated: 2023-03-23. Review status: criteria provided, single submitter. Criteria: Dines et al. (Genet Med. 2020). Collection method: curation. Allele origin: germline.
Comment: Missense variant in a coldspot region where missense variants are very unlikely to be pathogenic (PMID:31911673).

BRCA1 coldspot (exon 11 using historical exon numbering). Reclassification based on statistical prior probability

GeneDx
Classification: Uncertain significance. Last evaluated: 2020-12-29. Review status: criteria provided, single submitter. Criteria: GeneDx Variant Classification Process June 2021. Collection method: clinical testing. Allele origin: germline. Affected: yes.
Comment: Not observed in large population cohorts (Lek 2016); In silico analysis supports that this missense variant has a deleterious effect on protein structure/function; Also known as 2683A>C; This variant is associated with the following publications: (PMID: 30287823, 33087888, 29176636, 31131967, 20305393, 24359602, 11802209, 24249303)

Women's Health and Genetics/Laboratory Corporation of America, LabCorp
Classification: Uncertain significance. Last evaluated: 2020-09-25. Review status: criteria provided, single submitter. Criteria: LabCorp Variant Classification Summary - May 2015. Collection method: clinical testing. Allele origin: germline.
Comment: Variant summary: BRCA1 c.2564A>C (p.Gln855Pro) results in a non-conservative amino acid change in the encoded protein sequence. Five of five in-silico tools predict a damaging effect of the variant on protein function. The variant allele was found at a frequency of 2.7e-05 in 298848 control chromosomes (gnomAD and publications), predominantly at a frequency of 1.7e-04 within 47462 Japanese controls who were 60 years old or over and did not have past history nor family history of cancers (Momozawa_2018). The available data on variant occurrences in the general population are insufficient to allow any conclusion about variant significance. c.2564A>C has been reported in the literature in individuals affected with Hereditary Breast And Ovarian Cancer Syndrome (e.g. Meindl 2002, Nakamura 2015, Momozawa_2018). These reports do not provide unequivocal conclusions about association of the variant with Hereditary Breast And Ovarian Cancer Syndrome. A co-occurrence with a pathogenic BRCA2 variant has been reported (Nakamura_2015; co-occurring variant not specified), providing supporting evidence for a benign role. To our knowledge, no experimental evidence demonstrating an impact on protein function has been reported. A recent publication involving the ENIGMA network of collaborators (Parsons_2019) assigned a classification of Likely Benign based on likelihood ratios (LRs) for pathogenicity estimated from clinical data of co-segregation with disease, breast tumor pathology and bioinformatic predictions; however, no specific data was provided for independent assessment. Four ClinVar submitters (evaluation after 2014) cite the variant as uncertain significance. Based on the evidence outlined above, the variant was classified as uncertain significance until additional data of clinical and/or functional importance becomes available.

Quest Diagnostics Nichols Institute San Juan Capistrano
Classification: Uncertain significance. Last evaluated: 2017-12-01. Review status: criteria provided, single submitter. Criteria: Quest Diagnostics criteria. Collection method: clinical testing. Allele origin: unknown.

Literature cited by the submitters: PubMed 25085752 (cited by Myriad Genetics, Inc.); PubMed 30287823 (cited by 3 submitters); PubMed 31131967 (cited by Color Diagnostics, LLC DBA Color Health and Women's Health and Genetics/Laboratory Corporation of America, LabCorp); PubMed 31214711 (cited by Color Diagnostics, LLC DBA Color Health); PubMed 32980694 (cited by Color Diagnostics, LLC DBA Color Health); PubMed 33471991 (cited by Color Diagnostics, LLC DBA Color Health and Ambry Genetics); PubMed 24249303 (cited by Ambry Genetics and Women's Health and Genetics/Laboratory Corporation of America, LabCorp); PubMed 29176636 (cited by Ambry Genetics); PubMed 11802209 (cited by Women's Health and Genetics/Laboratory Corporation of America, LabCorp).